The following is an entry in ClinVar:

ClinVar aggregate classification (germline): Likely benign (0 of 4 stars; one submission).

Conditions:
MATR3-related disorder. Also called: MATR3-related condition.

Allele frequency attached by ClinVar (database versions not stated): gnomAD 0.00001; gnomAD exomes 0.00001; TOPMed 0.00001; ExAC 0.00003.
gnomAD v4.1: 17 of 1,612,760 alleles (0.0011%); highest among the groups gnomAD compares: East Asian, 0.013%; no homozygotes.

Submission:

PreventionGenetics, part of Exact Sciences
Classification: Likely benign for MATR3-related condition. Last evaluated: 2023-09-29. Review status: no assertion criteria provided. Collection method: clinical testing. Allele origin: germline.
Comment: This variant is classified as likely benign based on ACMG/AMP sequence variant interpretation guidelines (Richards et al. 2015 PMID: 25741868, with internal and published modifications).

NM_018834.6(MATR3):c.2427T>C (p.Phe809=)

Gene: MATR3 (matrin 3; plus strand). Cytogenetic location: 5q31.2.
Variant type: single nucleotide variant.
Coding change: c.2427T>C on transcript NM_018834.6 (MANE Select); coding-DNA position 2427, T replaced by C.
Protein change: p.Phe809=; no amino-acid change (phenylalanine 809 retained).
Molecular consequence: synonymous variant.
Genome position (GRCh38, 1-based): chr5:139,326,218, T>C. VCF-style: chr5-139326218-T-C. GRCh37 (hg19) VCF-style: chr5-138661907-T-C.
Other names: c.2427T>C, p.Phe809= (NM_001194954.2, NM_001194955.2, NM_001400447.1 and 11 more transcripts); c.1563T>C, p.Phe521= (NM_001194956.2); c.1413T>C, p.Phe471= (NM_001282278.2, NM_001400462.1, NM_001400463.1 and 4 more transcripts); c.2571T>C, p.Phe857= (NM_001400441.1, NM_001400442.1, NM_001400443.1 and 2 more transcripts); c.1566T>C, p.Phe522= (NM_001400459.1); c.1557T>C, p.Phe519= (NM_001400460.1); c.1527T>C, p.Phe509= (NM_001400461.1).
Identifiers: ClinVar variation 3032583 (VCV003032583.2), dbSNP rs778447633, ClinGen allele CA3433453.